The following is an entry in ClinVar:

ClinVar aggregate classification (germline): Conflicting classifications of pathogenicity. Review status: criteria provided, conflicting classifications (1 of 4 stars). 5 submissions from 4 submitters: Uncertain significance (4); Benign (1). Last evaluated 2025-03-18.

Conditions:
Emery-Dreifuss muscular dystrophy 4, autosomal dominant (EDMD4). Also called: EMERY-DREIFUSS MUSCULAR DYSTROPHY 4 WITH VARIABLE FEATURES. Identifiers: Orphanet 261, MedGen C2751807, MONDO:0013071, OMIM 612998.
Autosomal recessive ataxia, Beauce type. Also called: ATAXIA, RECESSIVE, OF BEAUCE; SYNE1 Deficiency; SYNE1-Related Autosomal Recessive Cerebellar Ataxia; Spinocerebellar ataxia, autosomal recessive 8. Identifiers: Orphanet 88644, MedGen C1853116, MONDO:0012549, OMIM 610743.
Arthrogryposis multiplex congenita 3, myogenic type. Also called: ARTHROGRYPOSIS MULTIPLEX CONGENITA, MYOGENIC TYPE. Identifiers: MedGen C5193121, MONDO:0032778, OMIM 618484.

Allele frequency attached by ClinVar (database versions not stated): gnomAD 0.00004 and 0.00015; gnomAD exomes 0.00004 and 0.00034; TOPMed 0.00005; ExAC 0.00007; 1000 Genomes Project 30x 0.00078; 1000 Genomes Project 0.00100.
gnomAD v4.1: 507 of 1,614,230 alleles (0.031%); highest among the groups gnomAD compares: East Asian, 1.1%; 4 homozygotes.

Submissions (5):

Labcorp Genetics (formerly Invitae), Labcorp
Classification: Uncertain significance for Emery-Dreifuss muscular dystrophy 4, autosomal dominant; Autosomal recessive ataxia, Beauce type. Last evaluated: 2025-03-18. Review status: criteria provided, single submitter. Criteria: Invitae Variant Classification Sherloc (09022015). Collection method: clinical testing. Allele origin: germline.
Comment: This sequence change replaces lysine, which is basic and polar, with arginine, which is basic and polar, at codon 3811 of the SYNE1 protein (p.Lys3811Arg). This variant is present in population databases (rs76410834, gnomAD 0.06%). This variant has not been reported in the literature in individuals affected with SYNE1-related conditions. ClinVar contains an entry for this variant (Variation ID: 903813). An algorithm developed to predict the effect of missense changes on protein structure and function (PolyPhen-2) suggests that this variant is likely to be tolerated. In summary, the available evidence is currently insufficient to determine the role of this variant in disease. Therefore, it has been classified as a Variant of Uncertain Significance.

Revvity Omics, Revvity
Classification: Uncertain significance. Last evaluated: 2024-04-19. Review status: criteria provided, single submitter. Criteria: ACMG Guidelines, 2015. Collection method: clinical testing. Allele origin: germline.

Department of Pathology and Laboratory Medicine, Sinai Health System
Classification: Uncertain significance for Autosomal recessive ataxia, Beauce type; Emery-Dreifuss muscular dystrophy 4, autosomal dominant; Arthrogryposis multiplex congenita 3, myogenic type. Last evaluated: 2022-06-23. Review status: criteria provided, single submitter. Criteria: ACMG Guidelines, 2015. Collection method: research. Allele origin: germline.

Illumina Laboratory Services, Illumina
Classification: Uncertain significance for Autosomal recessive ataxia, Beauce type. Last evaluated: 2018-01-12. Review status: criteria provided, single submitter. Criteria: ICSL Variant Classification Criteria 13 December 2019. Collection method: clinical testing. Allele origin: germline.

Illumina Laboratory Services, Illumina
Classification: Benign for Emery-Dreifuss muscular dystrophy 4, autosomal dominant. Last evaluated: 2018-01-12. Review status: criteria provided, single submitter. Criteria: ICSL Variant Classification Criteria 13 December 2019. Collection method: clinical testing. Allele origin: germline.
Comment: This variant was observed in the ICSL laboratory as part of a predisposition screen in an ostensibly healthy population. It had not been previously curated by ICSL or reported in the Human Gene Mutation Database (HGMD: prior to June 1st, 2018), and was therefore a candidate for classification through an automated scoring system. Utilizing variant allele frequency, disease prevalence and penetrance estimates, and inheritance mode, an automated score was calculated to assess if this variant is too frequent to cause the disease. Based on the score and internal cut-off values, a variant classified as benign is not then subjected to further curation. The score for this variant resulted in a classification of benign for this disease.

NM_182961.4(SYNE1):c.11477A>G (p.Lys3826Arg)

Gene: SYNE1 (spectrin repeat containing nuclear envelope protein 1; minus strand). Cytogenetic location: 6q25.2.
Variant type: single nucleotide variant.
Coding change: c.11477A>G on transcript NM_182961.4 (MANE Select); coding-DNA position 11477, A replaced by G.
Protein change: p.Lys3826Arg; replaces lysine 3826 with arginine.
Molecular consequence: missense variant.
Genome position (GRCh38, 1-based): chr6:152,352,130, T>C on the plus strand (A>G on the coding strand, the complement: SYNE1 is on the minus strand). VCF-style: chr6-152352130-T-C. GRCh37 (hg19) VCF-style: chr6-152673265-T-C.
Other names: c.11432A>G, p.Lys3811Arg (NM_033071.5); short protein forms K3811R, K3826R.
Identifiers: ClinVar variation 903813 (VCV000903813.15), dbSNP rs76410834, ClinGen allele CA4056684.